The following is an entry in ClinVar:

NM_052844.4(DYNC2I2):c.1350T>A (p.Val450=)

Gene: DYNC2I2 (dynein 2 intermediate chain 2; minus strand). Cytogenetic location: 9q34.11.
Variant type: single nucleotide variant.
Coding change: c.1350T>A on transcript NM_052844.4 (MANE Select); coding-DNA position 1350, T replaced by A.
Protein change: p.Val450=; no amino-acid change (valine 450 retained).
Molecular consequence: synonymous variant.
Genome position (GRCh38, 1-based): chr9:128,634,248, A>T on the plus strand (T>A on the coding strand, the complement: DYNC2I2 is on the minus strand). VCF-style: chr9-128634248-A-T. GRCh37 (hg19) VCF-style: chr9-131396527-A-T.
Identifiers: ClinVar variation 707471 (VCV000707471.38), dbSNP rs200052239, ClinGen allele CA5266254.
Genomic context (GRCh38, chr9:128,634,248, plus strand): 5'-CCCCTTAAACAGATCCAGGCCTAGCGGCCCCTTCCTACCTTTCCCAGAGGCAGCTGCAAA[A>T]ACCAAGGGCCGCACTGGGGACCAGCGCACAGCAAACAGATACTTGAGGGAGAGCTGCAGC-3'
Protein context (NP_443076.2, residues 440-460): AVRWSPVRPL[Val450=]FAAASGKGDV

ClinVar aggregate classification (germline): Benign/Likely benign. Review status: criteria provided, multiple submitters, no conflicts (2 of 4 stars). 4 submissions from 4 submitters: Benign (1); Likely benign (3). Last evaluated 2025-12-09.

Conditions:
Short-rib thoracic dysplasia 11 with or without polydactyly (SRTD11). Also called: SHORT-RIB THORACIC DYSPLASIA 11 WITHOUT POLYDACTYLY. Identifiers: Orphanet 474, Orphanet 93271, MedGen C3810200, MONDO:0014287, OMIM 615633.

Allele frequency attached by ClinVar (database versions not stated): gnomAD exomes 0.00028 and 0.00109; gnomAD 0.00033 and 0.00040; TOPMed 0.00075; ExAC 0.00098; 1000 Genomes Project 30x 0.00109; 1000 Genomes Project 0.00120.
gnomAD v4.1: 469 of 1,613,812 alleles (0.029%); highest among the groups gnomAD compares: East Asian, 0.87%; 1 homozygote.

Submissions (11):

Labcorp Genetics (formerly Invitae), Labcorp
Classification: Benign for Short-rib thoracic dysplasia 11 with or without polydactyly. Last evaluated: 2025-12-09. Review status: criteria provided, single submitter. Criteria: Invitae Variant Classification Sherloc (09022015). Collection method: clinical testing. Allele origin: germline.

Blueprint Genetics
Classification: Likely benign. Last evaluated: 2024-10-22. Review status: criteria provided, single submitter. Criteria: ACMG Guidelines, 2015. Collection method: clinical testing. Allele origin: germline.

CeGaT Center for Human Genetics Tuebingen
Classification: Likely benign. Last evaluated: 2024-02-01. Review status: criteria provided, single submitter. Criteria: CeGaT Center For Human Genetics Tuebingen Variant Classification Criteria Version 2. Collection method: clinical testing. Allele origin: germline. Affected: yes. Observed: 1 variant allele.
Comment: DYNC2I2: BP4, BP7, BS1

GeneDx
Classification: Likely benign. Last evaluated: 2020-05-27. Review status: criteria provided, single submitter. Criteria: GeneDx Variant Classification Process June 2021. Collection method: clinical testing. Allele origin: germline. Affected: yes.

Dr. Peter K. Rogan Lab, Western University
No classification provided (evidence only). Condition: Melanoma. Review status: no classification provided. Collection method: in vitro. Allele origin: not applicable. Functional consequence: retained intron. Not counted in ClinVar's aggregate classification.

Dr. Peter K. Rogan Lab, Western University
No classification provided (evidence only). Condition: Cervical cancer. Review status: no classification provided. Collection method: in vitro. Allele origin: not applicable. Functional consequence: retained intron. Not counted in ClinVar's aggregate classification.

Dr. Peter K. Rogan Lab, Western University
No classification provided (evidence only). Condition: Malignant lymphoma, large B-cell, diffuse. Review status: no classification provided. Collection method: in vitro. Allele origin: not applicable. Functional consequence: retained intron. Not counted in ClinVar's aggregate classification.

Dr. Peter K. Rogan Lab, Western University
No classification provided (evidence only). Condition: Hepatocellular carcinoma. Review status: no classification provided. Collection method: in vitro. Allele origin: not applicable. Functional consequence: retained intron. Not counted in ClinVar's aggregate classification.

Dr. Peter K. Rogan Lab, Western University
No classification provided (evidence only). Condition: Hepatocellular carcinoma. Review status: no classification provided. Collection method: in vitro. Allele origin: not applicable. Functional consequence: retained intron. Not counted in ClinVar's aggregate classification.

Dr. Peter K. Rogan Lab, Western University
No classification provided (evidence only). Condition: Hepatocellular carcinoma. Review status: no classification provided. Collection method: in vitro. Allele origin: not applicable. Functional consequence: retained intron. Not counted in ClinVar's aggregate classification.

Dr. Peter K. Rogan Lab, Western University
No classification provided (evidence only). Condition: Gastric cancer. Review status: no classification provided. Collection method: in vitro. Allele origin: not applicable. Functional consequence: retained intron. Not counted in ClinVar's aggregate classification.